The following is an entry in ClinVar:

NM_005529.7(HSPG2):c.5335C>T (p.Arg1779Trp)

Gene: HSPG2 (heparan sulfate proteoglycan 2; minus strand). Cytogenetic location: 1p36.12.
Variant type: single nucleotide variant.
Coding change: c.5335C>T on transcript NM_005529.7 (MANE Select); coding-DNA position 5335, C replaced by T.
Protein change: p.Arg1779Trp; replaces arginine 1779 with tryptophan.
Molecular consequence: missense variant.
Genome position (GRCh38, 1-based): chr1:21,857,344, G>A on the plus strand (C>T on the coding strand, the complement: HSPG2 is on the minus strand). VCF-style: chr1-21857344-G-A. GRCh37 (hg19) VCF-style: chr1-22183837-G-A.
Other names: c.5338C>T, p.Arg1780Trp (NM_001291860.2); c.5335C>T (NM_005529.5); short protein forms R1779W, R1780W.
Identifiers: ClinVar variation 197489 (VCV000197489.17), dbSNP rs148803046, ClinGen allele CA245670.
Genomic context (GRCh38, chr1:21,857,344, plus strand): 5'-CCTTGCTTTTGGCTGTGCAGATGAAGGTGACGTCAGCTCCGGGGCGCACGCTCTGGCTCC[G>A]CTGCTCCTCCACAGTCACTGTGATGGGCTTGCTTGGAGCCTCTGCAGGGACGGGAAGCCC-3'
Protein context (NP_005520.4, residues 1769-1789): KPITVTVEEQ[Arg1779Trp]SQSVRPGADV

ClinVar aggregate classification (germline): Uncertain significance. Review status: criteria provided, multiple submitters, no conflicts (2 of 4 stars). 6 submissions from 6 submitters: Uncertain significance (6). Last evaluated 2024-12-28.

Conditions:
Inborn genetic diseases. Identifiers: MedGen C0950123, MeSH D030342.

Allele frequency attached by ClinVar (database versions not stated): gnomAD exomes 0.00016 and 0.00061; TOPMed 0.00017; ExAC 0.00018; gnomAD 0.00021 and 0.00022; ESP Exome Variant Server 0.00023.
gnomAD v4.1: 897 of 1,614,002 alleles (0.056%); highest among the groups gnomAD compares: Non-Finnish European, 0.073%; 1 homozygote.

Submissions (6):

Ambry Genetics
Classification: Uncertain significance for Inborn genetic diseases. Last evaluated: 2024-12-28. Review status: criteria provided, single submitter. Criteria: Ambry Variant Classification Scheme 2023. Collection method: clinical testing. Allele origin: germline.

GeneDx
Classification: Uncertain significance. Last evaluated: 2024-09-13. Review status: criteria provided, single submitter. Criteria: GeneDx Variant Classification Process June 2021. Collection method: clinical testing. Allele origin: germline. Affected: yes.
Comment: In silico analysis supports that this missense variant has a deleterious effect on protein structure/function; Has not been previously published as pathogenic or benign to our knowledge

Athena Diagnostics
Classification: Uncertain significance. Last evaluated: 2023-05-23. Review status: criteria provided, single submitter. Criteria: Athena Diagnostics Criteria. Collection method: clinical testing. Allele origin: unknown.
Comment: Available data are insufficient to determine the clinical significance of the variant at this time. The frequency of this variant in the general population is uninformative in assessment of its pathogenicity. Computational tools disagree on the variant's effect on normal protein function.

Labcorp Genetics (formerly Invitae), Labcorp
Classification: Uncertain significance. Last evaluated: 2022-10-05. Review status: criteria provided, single submitter. Criteria: Invitae Variant Classification Sherloc (09022015). Collection method: clinical testing. Allele origin: germline.
Comment: This sequence change replaces arginine, which is basic and polar, with tryptophan, which is neutral and slightly polar, at codon 1779 of the HSPG2 protein (p.Arg1779Trp). This variant is present in population databases (rs148803046, gnomAD 0.03%). This variant has not been reported in the literature in individuals affected with HSPG2-related conditions. ClinVar contains an entry for this variant (Variation ID: 197489). Algorithms developed to predict the effect of missense changes on protein structure and function are either unavailable or do not agree on the potential impact of this missense change (SIFT: "Deleterious"; PolyPhen-2: "Probably Damaging"; Align-GVGD: "Class C0"). In summary, the available evidence is currently insufficient to determine the role of this variant in disease. Therefore, it has been classified as a Variant of Uncertain Significance.

Revvity Omics, Revvity
Classification: Uncertain significance. Last evaluated: 2019-12-03. Review status: criteria provided, single submitter. Criteria: ACMG Guidelines, 2015. Collection method: clinical testing. Allele origin: germline.

Eurofins Ntd Llc (ga)
Classification: Uncertain significance. Last evaluated: 2015-04-23. Review status: criteria provided, single submitter. Criteria: EGL Classification Definitions 2015. Collection method: clinical testing. Allele origin: germline. Observed: 1 variant allele, 1 heterozygote.